The following is an entry in ClinVar:

ClinVar aggregate classification (germline): Uncertain significance (1 of 4 stars; one submission).

Submission:

Labcorp Genetics (formerly Invitae), Labcorp
Classification: Uncertain significance. Last evaluated: 2024-03-18. Review status: criteria provided, single submitter. Criteria: Invitae Variant Classification Sherloc (09022015). Collection method: clinical testing. Allele origin: germline.
Comment: This sequence change replaces arginine, which is basic and polar, with tryptophan, which is neutral and slightly polar, at codon 564 of the FGFR3 protein (p.Arg564Trp). This variant is not present in population databases (gnomAD no frequency). This variant has not been reported in the literature in individuals affected with FGFR3-related conditions. ClinVar contains an entry for this variant (Variation ID: 1680102). Advanced modeling of protein sequence and biophysical properties (such as structural, functional, and spatial information, amino acid conservation, physicochemical variation, residue mobility, and thermodynamic stability) has been performed at Invitae for this missense variant, however the output from this modeling did not meet the statistical confidence thresholds required to predict the impact of this variant on FGFR3 protein function. In summary, the available evidence is currently insufficient to determine the role of this variant in disease. Therefore, it has been classified as a Variant of Uncertain Significance.

NM_000142.5(FGFR3):c.1690C>T (p.Arg564Trp)

Gene: FGFR3 (fibroblast growth factor receptor 3; plus strand). Cytogenetic location: 4p16.3.
Variant type: single nucleotide variant.
Coding change: c.1690C>T on transcript NM_000142.5 (MANE Select); coding-DNA position 1690, C replaced by T.
Protein change: p.Arg564Trp; replaces arginine 564 with tryptophan.
Molecular consequence: missense variant. On other transcripts: non-coding transcript variant (1).
Genome position (GRCh38, 1-based): chr4:1,805,794, C>T. VCF-style: chr4-1805794-C-T. GRCh37 (hg19) VCF-style: chr4-1807521-C-T.
Other names: c.1696C>T, p.Arg566Trp (NM_001163213.2); c.1693C>T, p.Arg565Trp (NM_001354809.2, NM_001354810.2); c.1354C>T, p.Arg452Trp (NM_022965.4); short protein forms R452W, R564W, R565W, R566W.
Identifiers: ClinVar variation 1680102 (VCV001680102.6), dbSNP rs2108804401, ClinGen allele CA355981733.
Genomic context (GRCh38, chr4:1,805,794, plus strand): 5'-GAGCCCGTGTCCCCAGGGCCCCTGTACGTGCTGGTGGAGTACGCGGCCAAGGGTAACCTG[C>T]GGGAGTTTCTGCGGGCGCGGCGGCCCCCGGGCCTGGACTACTCCTTCGACACCTGCAAGC-3'
Protein context (NP_000133.1, residues 554-574): LVEYAAKGNL[Arg564Trp]EFLRARRPPG